The following is an entry in ClinVar:

ClinVar aggregate classification (germline): Likely pathogenic (1 of 4 stars; one submission).

Conditions:
Intestinal hypomagnesemia 1. Also called: HYPOMAGNESEMIA, INTESTINAL, WITH SECONDARY HYPOCALCEMIA; HYPOMAGNESEMIC TETANY. Identifiers: Orphanet 30924, MedGen C1865974, MONDO:0011176, OMIM 602014.

Submission:

OLLIN Analises Genomicas, OLLIN
Classification: Likely pathogenic for Intestinal hypomagnesemia 1. Last evaluated: 2026-08-06. Review status: criteria provided, single submitter. Criteria: ACMG Guidelines 2015 PMID 25741868. Collection method: clinical testing. Allele origin: germline. Inheritance: Autosomal recessive inheritance.
Comment: This nonsense variant, located in exon 34 (of 39), is absent from gnomAD and ClinVar and has not been identified in the literature. This variant introduces a premature stop codon, which is predicted to result in either a truncated protein or degradation of the mRNA via nonsense-mediated decay (NMD). According to the currently available evidence, this variant has been classified as likely pathogenic (PVS1, PM2_P).

NM_017662.5(TRPM6):c.5395C>T (p.Gln1799Ter)

Gene: TRPM6 (transient receptor potential cation channel subfamily M member 6; minus strand). Cytogenetic location: 9q21.13.
Variant type: single nucleotide variant.
Coding change: c.5395C>T on transcript NM_017662.5 (MANE Select); coding-DNA position 5395, C replaced by T.
Protein change: p.Gln1799Ter; replaces glutamine 1799 with a stop codon.
Molecular consequence: nonsense.
Genome position (GRCh38, 1-based): chr9:74,739,815, G>A on the plus strand (C>T on the coding strand, the complement: TRPM6 is on the minus strand). VCF-style: chr9-74739815-G-A. GRCh37 (hg19) VCF-style: chr9-77354731-G-A.
Other names: c.5380C>T, p.Gln1794Ter (NM_001177310.2, NM_001177311.2); short protein forms Q1799*, Q1794*.
Identifiers: ClinVar variation 5002763 (VCV005002763.1).